The following is an entry in ClinVar:

ClinVar aggregate classification (germline): Uncertain significance (1 of 4 stars; one submission).

Allele frequency attached by ClinVar (database versions not stated): gnomAD exomes below 0.00001.
gnomAD v4.1: 2 of 1,614,240 alleles (0.00012%); highest among the groups gnomAD compares: Non-Finnish European, 0.00017%; no homozygotes.

Submission:

Ambry Genetics
Classification: Uncertain significance. Last evaluated: 2022-10-07. Review status: criteria provided, single submitter. Criteria: Ambry Variant Classification Scheme 2023. Collection method: clinical testing. Allele origin: germline.
Comment: The p.R873K variant (also known as c.2618G>A), located in coding exon 16 of the POLQ gene, results from a G to A substitution at nucleotide position 2618. The arginine at codon 873 is replaced by lysine, an amino acid with highly similar properties. This amino acid position is conserved. In addition, this alteration is predicted to be tolerated by in silico analysis. Since supporting evidence is limited at this time, the clinical significance of this alteration remains unclear.

NM_199420.4(POLQ):c.2618G>A (p.Arg873Lys)

Gene: POLQ (DNA polymerase theta; minus strand). Cytogenetic location: 3q13.33.
Variant type: single nucleotide variant.
Coding change: c.2618G>A on transcript NM_199420.4 (MANE Select); coding-DNA position 2618, G replaced by A.
Protein change: p.Arg873Lys; replaces arginine 873 with lysine.
Molecular consequence: missense variant.
Genome position (GRCh38, 1-based): chr3:121,490,313, C>T on the plus strand (G>A on the coding strand, the complement: POLQ is on the minus strand). VCF-style: chr3-121490313-C-T. GRCh37 (hg19) VCF-style: chr3-121209160-C-T.
Other names: short protein forms R873K.
Identifiers: ClinVar variation 1793882 (VCV001793882.2), dbSNP rs2546788461, ClinGen allele CA354105571.